The following is an entry in ClinVar:

ClinVar aggregate classification (germline): Benign/Likely benign. Review status: criteria provided, multiple submitters, no conflicts (2 of 4 stars). 7 submissions from 7 submitters: Benign (1); Likely benign (3). 3 of the submissions do not count toward it. Last evaluated 2025-12-06.

Conditions:
Atrioventricular septal defect, susceptibility to, 2. Identifiers: MedGen C1853508, MONDO:0011650, OMIM 606217.
CRELD1-related disorder. Also called: CRELD1-related condition.

Allele frequency attached by ClinVar (database versions not stated): 1000 Genomes Project 0.00060; ExAC 0.00060; gnomAD 0.00066 and 0.00067; gnomAD exomes 0.00076 and 0.00059; 1000 Genomes Project 30x 0.00078; TOPMed 0.00081; ESP Exome Variant Server 0.00085.

Submissions (7):

Labcorp Genetics (formerly Invitae), Labcorp
Classification: Likely benign for Atrioventricular septal defect, susceptibility to, 2. Last evaluated: 2025-12-06. Review status: criteria provided, single submitter. Criteria: Invitae Variant Classification Sherloc (09022015). Collection method: clinical testing. Allele origin: germline.

CeGaT Center for Human Genetics Tuebingen
Classification: Benign. Last evaluated: 2025-11-01. Review status: criteria provided, single submitter. Criteria: CeGaT Center For Human Genetics Tuebingen Variant Classification Criteria Version 2. Collection method: clinical testing. Allele origin: germline. Affected: yes. Observed: 4 variant alleles.
Comment: CRELD1: BP4, BS1, BS2

Blueprint Genetics
Classification: Likely benign. Last evaluated: 2024-10-18. Review status: criteria provided, single submitter. Criteria: ACMG Guidelines, 2015. Collection method: clinical testing. Allele origin: germline.

Breakthrough Genomics
Classification: Likely benign. Review status: criteria provided, single submitter. Criteria: ACMG Guidelines, 2015. Collection method: not provided. Allele origin: germline. Inheritance: Autosomal dominant inheritance. Affected: yes.

PreventionGenetics, part of Exact Sciences
Classification: Likely benign for CRELD1-related condition. Last evaluated: 2023-06-21. Review status: no assertion criteria provided. Collection method: clinical testing. Allele origin: germline. Not counted in ClinVar's aggregate classification.
Comment: This variant is classified as likely benign based on ACMG/AMP sequence variant interpretation guidelines (Richards et al. 2015 PMID: 25741868, with internal and published modifications).

Clinical Genetics DNA and cytogenetics Diagnostics Lab, Erasmus MC, Erasmus Medical Center
Classification: Likely benign. Review status: no assertion criteria provided. Collection method: clinical testing. Allele origin: germline. Affected: yes. Study: VKGL Data-share Consensus. Not counted in ClinVar's aggregate classification.

Genome Diagnostics Laboratory, University Medical Center Utrecht
Classification: Likely benign. Review status: no assertion criteria provided. Collection method: clinical testing. Allele origin: germline. Affected: yes. Study: VKGL Data-share Consensus. Not counted in ClinVar's aggregate classification.

NM_001077415.3(CRELD1):c.1049-299C>G

Gene: CRELD1 (CRELD disulfide isomerase 1; plus strand). Cytogenetic location: 3p25.3.
Variant type: single nucleotide variant.
Coding change: c.1049-299C>G on transcript NM_001077415.3 (MANE Select); 299 bases into the intron before coding-DNA position 1049, C replaced by G.
Molecular consequence: intron variant. On other transcripts: missense variant (3).
Genome position (GRCh38, 1-based): chr3:9,944,066, C>G. VCF-style: chr3-9944066-C-G. GRCh37 (hg19) VCF-style: chr3-9985750-C-G.
Other names: c.1213C>G, p.Gln405Glu (NM_001031717.4); c.1225C>G, p.Gln409Glu (NM_001374317.1, NM_001374318.1); c.965-299C>G (NM_001374319.1, NM_001374320.1); c.1049-299C>G (NM_001374316.1, NM_015513.6); short protein forms Q405E, Q409E.
Identifiers: ClinVar variation 465833 (VCV000465833.39), dbSNP rs41276501, ClinGen allele CA2247958.